The following is an entry in ClinVar:

ClinVar aggregate classification (germline): Likely pathogenic (1 of 4 stars; one submission).

Submission:

GeneDx
Classification: Likely pathogenic. Last evaluated: 2026-05-27. Review status: criteria provided, single submitter. Criteria: GeneDx Variant Classification Process June 2021. Collection method: clinical testing. Allele origin: germline.
Comment: Not observed at significant frequency in large population cohorts (gnomAD); In silico analysis supports that this missense variant has a deleterious effect on protein structure/function; Has not been previously published as pathogenic or benign to our knowledge

NM_006421.5(ARFGEF1):c.1457G>A (p.Cys486Tyr)

Gene: ARFGEF1 (ARF guanine nucleotide exchange factor 1; minus strand). Cytogenetic location: 8q13.2.
Variant type: single nucleotide variant.
Coding change: c.1457G>A on transcript NM_006421.5 (MANE Select); coding-DNA position 1457, G replaced by A.
Protein change: p.Cys486Tyr; replaces cysteine 486 with tyrosine.
Molecular consequence: missense variant. On other transcripts: non-coding transcript variant (1).
Genome position (GRCh38, 1-based): chr8:67,271,817, C>T on the plus strand (G>A on the coding strand, the complement: ARFGEF1 is on the minus strand). VCF-style: chr8-67271817-C-T. GRCh37 (hg19) VCF-style: chr8-68184052-C-T.
Other names: c.1457G>A, p.Cys486Tyr (NM_001413184.1, NM_001413185.1, NM_001413186.1 and 7 more transcripts); c.857G>A, p.Cys286Tyr (NM_001413188.1, NM_001413193.1, NM_001413197.1); c.32G>A, p.Cys11Tyr (NM_001413196.1); short protein forms C11Y, C286Y, C486Y.
Identifiers: ClinVar variation 3384444 (VCV003384444.2).